The following is an entry in ClinVar:

NM_024675.4(PALB2):c.3479C>T (p.Ser1160Phe)

Gene: PALB2 (partner and localizer of BRCA2; minus strand). Cytogenetic location: 16p12.2.
Variant type: single nucleotide variant.
Coding change: c.3479C>T on transcript NM_024675.4 (MANE Select); coding-DNA position 3479, C replaced by T.
Protein change: p.Ser1160Phe; replaces serine 1160 with phenylalanine.
Molecular consequence: missense variant. On other transcripts: 3 prime UTR variant (5).
Genome position (GRCh38, 1-based): chr16:23,603,541, G>A on the plus strand (C>T on the coding strand, the complement: PALB2 is on the minus strand). VCF-style: chr16-23603541-G-A. GRCh37 (hg19) VCF-style: chr16-23614862-G-A.
Other names: c.3419C>T, p.Ser1140Phe (NM_001407296.1); c.3407C>T, p.Ser1136Phe (NM_001407297.1); c.3317C>T, p.Ser1106Phe (NM_001407298.1); c.3242C>T, p.Ser1081Phe (NM_001407299.1); c.3200C>T, p.Ser1067Phe (NM_001407300.1); c.*114C>T (NM_001407301.1, NM_001407302.1, NM_001407310.1 and 2 more transcripts); c.2594C>T, p.Ser865Phe (NM_001407304.1, NM_001407305.1, NM_001407306.1); c.2432C>T, p.Ser811Phe (NM_001407307.1); and 3 more; short protein forms S1106F, S338F, S786F, S1081F, S1136F, S564F, S865F, S1067F.
Identifiers: ClinVar variation 2453303 (VCV002453303.2), dbSNP rs2142252828, ClinGen allele CA395137978.
Genomic context (GRCh38, chr16:23,603,541, plus strand): 5'-ATATTTCCATCTTTTTGTCCAGCCAGCAAATGAGAGTCTGTACCCGACCATTTCACAAAA[G>A]ACCAATGTTGGTCAGAGACAGGTGGGAGGAGGGCAGTACACTGACCGAGAAGTAAGTCCC-3'
Protein context (NP_078951.2, residues 1150-1170): LLPPVSDQHW[Ser1160Phe]FVKWSGTDSH

ClinVar aggregate classification (germline): Uncertain significance (1 of 4 stars; one submission).

Conditions:
Hereditary cancer-predisposing syndrome. Also called: Neoplastic Syndromes, Hereditary; Tumor predisposition; Hereditary neoplastic syndrome; Hereditary Cancer Syndrome. Identifiers: Orphanet 140162, MedGen C0027672, MeSH D009386, MONDO:0015356.

Submission:

Ambry Genetics
Classification: Uncertain significance for Hereditary cancer-predisposing syndrome. Last evaluated: 2023-01-26. Review status: criteria provided, single submitter. Criteria: Ambry Variant Classification Scheme 2023. Collection method: clinical testing. Allele origin: germline.
Comment: The p.S1160F variant (also known as c.3479C>T), located in coding exon 13 of the PALB2 gene, results from a C to T substitution at nucleotide position 3479. The serine at codon 1160 is replaced by phenylalanine, an amino acid with highly dissimilar properties. This amino acid position is conserved. In addition, the in silico prediction for this alteration is inconclusive. Since supporting evidence is limited at this time, the clinical significance of this alteration remains unclear.